The following is an entry in ClinVar:

NM_000088.4(COL1A1):c.2863G>C (p.Ala955Pro)

Gene: COL1A1 (collagen type I alpha 1 chain; minus strand). Cytogenetic location: 17q21.33.
Variant type: single nucleotide variant.
Coding change: c.2863G>C on transcript NM_000088.4 (MANE Select); coding-DNA position 2863, G replaced by C.
Protein change: p.Ala955Pro; replaces alanine 955 with proline.
Molecular consequence: missense variant.
Genome position (GRCh38, 1-based): chr17:50,189,242, C>G on the plus strand (G>C on the coding strand, the complement: COL1A1 is on the minus strand). VCF-style: chr17-50189242-C-G. GRCh37 (hg19) VCF-style: chr17-48266603-C-G.
Other names: short protein forms A955P.
Identifiers: ClinVar variation 3634724 (VCV003634724.2).

ClinVar aggregate classification (germline): Uncertain significance (1 of 4 stars; one submission).

Conditions:
Osteogenesis imperfecta type I (OI1). Also called: Lobstein's Disease; Lobstein disease; Classic Non-deforming Osteogenesis Imperfecta with Blue Sclerae; OI, TYPE I; OSTEOGENESIS IMPERFECTA TARDA; OSTEOGENESIS IMPERFECTA WITH BLUE SCLERAE. Identifiers: Orphanet 216796, Orphanet 666, MedGen C0023931, MONDO:0008146, OMIM 166200. Disease mechanism: loss of function.

Submission:

Labcorp Genetics (formerly Invitae), Labcorp
Classification: Uncertain significance for Osteogenesis imperfecta type I. Last evaluated: 2024-10-04. Review status: criteria provided, single submitter. Criteria: Invitae Variant Classification Sherloc (09022015). Collection method: clinical testing. Allele origin: germline.
Comment: This sequence change replaces alanine, which is neutral and non-polar, with proline, which is neutral and non-polar, at codon 955 of the COL1A1 protein (p.Ala955Pro). This variant is not present in population databases (gnomAD no frequency). This variant has not been reported in the literature in individuals affected with COL1A1-related conditions. Invitae Evidence Modeling of protein sequence and biophysical properties (such as structural, functional, and spatial information, amino acid conservation, physicochemical variation, residue mobility, and thermodynamic stability) indicates that this missense variant is not expected to disrupt COL1A1 protein function with a negative predictive value of 95%. In summary, the available evidence is currently insufficient to determine the role of this variant in disease. Therefore, it has been classified as a Variant of Uncertain Significance.